The following is an entry in ClinVar:

ClinVar aggregate classification (germline): Uncertain significance. Review status: criteria provided, multiple submitters, no conflicts (2 of 4 stars). 3 submissions from 3 submitters: Uncertain significance (3). Last evaluated 2024-11-14.

Conditions:
Neuronal ceroid lipofuscinosis. Also called: Neuronal Ceroid Lipofuscinoses. Identifiers: Orphanet 216, Orphanet 79263, MedGen C0027877, MONDO:0016295. Disease mechanism: loss of function.

Allele frequency attached by ClinVar (database versions not stated): gnomAD 0.00003; TOPMed 0.00006.
gnomAD v4.1: 58 of 1,613,942 alleles (0.0036%); highest among the groups gnomAD compares: Admixed American, 0.015%; no homozygotes.

Submissions (3):

Blueprint Genetics
Classification: Uncertain significance. Last evaluated: 2024-11-14. Review status: criteria provided, single submitter. Criteria: ACMG Guidelines, 2015. Collection method: clinical testing. Allele origin: germline.

Labcorp Genetics (formerly Invitae), Labcorp
Classification: Uncertain significance for Neuronal ceroid lipofuscinosis. Last evaluated: 2024-10-15. Review status: criteria provided, single submitter. Criteria: Invitae Variant Classification Sherloc (09022015). Collection method: clinical testing. Allele origin: germline.
Comment: This sequence change replaces alanine, which is neutral and non-polar, with valine, which is neutral and non-polar, at codon 274 of the CLN6 protein (p.Ala274Val). This variant is present in population databases (rs202012876, gnomAD 0.02%). This variant has not been reported in the literature in individuals affected with CLN6-related conditions. ClinVar contains an entry for this variant (Variation ID: 420394). Invitae Evidence Modeling of protein sequence and biophysical properties (such as structural, functional, and spatial information, amino acid conservation, physicochemical variation, residue mobility, and thermodynamic stability) indicates that this missense variant is not expected to disrupt CLN6 protein function with a negative predictive value of 80%. In summary, the available evidence is currently insufficient to determine the role of this variant in disease. Therefore, it has been classified as a Variant of Uncertain Significance.

GeneDx
Classification: Uncertain significance. Last evaluated: 2016-01-29. Review status: criteria provided, single submitter. Criteria: GeneDx Variant Classification (06012015). Collection method: clinical testing. Allele origin: germline. Affected: yes.
Comment: A variant of uncertain significance has been identified in the CLN6 gene. The A274V variant has not been published as a pathogenic variant, nor has it been reported as a benign variant to our knowledge. It was not observed in approximately 6,500 individuals of European and African American ancestry in the NHLBI Exome Sequencing Project, indicating it is not a common benign variant in these populations. The A274V variant is a conservative amino acid substitution, which is not likely to impact secondary protein structure as these residues share similar properties. Additionally, this substitution occurs at a position that is not conserved, and missense variants in nearby residues have not been reported in the Human Gene Mutation Database in association with NCL (Stenson et al., 2014). However, in silico analysis is inconsistent in its predictions as to whether or not the variant is damaging to the protein structure/function. Therefore, based on the currently available information, it is unclear whether this variant is a pathogenic variant or a rare benign variant.

NM_017882.3(CLN6):c.821C>T (p.Ala274Val)

Gene: CLN6 (CLN6 transmembrane ER protein; minus strand). Cytogenetic location: 15q23.
Variant type: single nucleotide variant.
Coding change: c.821C>T on transcript NM_017882.3 (MANE Select); coding-DNA position 821, C replaced by T.
Protein change: p.Ala274Val; replaces alanine 274 with valine.
Molecular consequence: missense variant.
Genome position (GRCh38, 1-based): chr15:68,208,255, G>A on the plus strand (C>T on the coding strand, the complement: CLN6 is on the minus strand). VCF-style: chr15-68208255-G-A. GRCh37 (hg19) VCF-style: chr15-68500593-G-A.
Other names: short protein forms A274V.
Identifiers: ClinVar variation 420394 (VCV000420394.8), dbSNP rs202012876, ClinGen allele CA7630464.